The following is an entry in ClinVar:

ClinVar aggregate classification (germline): Likely benign. Review status: criteria provided, multiple submitters, no conflicts (2 of 4 stars). 3 submissions from 3 submitters: Likely benign (3). Last evaluated 2026-03-01.

Allele frequency attached by ClinVar (database versions not stated): ExAC 0.00054; gnomAD exomes 0.00064 and 0.00132; gnomAD 0.00066 and 0.00071; TOPMed 0.00068; ESP Exome Variant Server 0.00085.

Submissions (3):

CeGaT Center for Human Genetics Tuebingen
Classification: Likely benign. Last evaluated: 2026-03-01. Review status: criteria provided, single submitter. Criteria: CeGaT Center For Human Genetics Tuebingen Variant Classification Criteria Version 2. Collection method: clinical testing. Allele origin: germline. Affected: yes. Observed: 1 variant allele.
Comment: NFS1: BP4, BP7

Labcorp Genetics (formerly Invitae), Labcorp
Classification: Likely benign. Last evaluated: 2025-10-02. Review status: criteria provided, single submitter. Criteria: Invitae Variant Classification Sherloc (09022015). Collection method: clinical testing. Allele origin: germline.

GeneDx
Classification: Likely benign. Last evaluated: 2020-12-11. Review status: criteria provided, single submitter. Criteria: GeneDx Variant Classification Process June 2021. Collection method: clinical testing. Allele origin: germline. Affected: yes.

NM_021100.5(NFS1):c.1201T>C (p.Leu401=)

Gene: NFS1 (NFS1 cysteine desulfurase; minus strand). Cytogenetic location: 20q11.22.
Variant type: single nucleotide variant.
Coding change: c.1201T>C on transcript NM_021100.5 (MANE Select); coding-DNA position 1201, T replaced by C.
Protein change: p.Leu401=; no amino-acid change (leucine 401 retained).
Molecular consequence: synonymous variant. On other transcripts: non-coding transcript variant (1).
Genome position (GRCh38, 1-based): chr20:35,673,620, A>G on the plus strand (T>C on the coding strand, the complement: NFS1 is on the minus strand). VCF-style: chr20-35673620-A-G. GRCh37 (hg19) VCF-style: chr20-34261542-A-G.
Other names: c.1048T>C, p.Leu350= (NM_001198989.2).
Identifiers: ClinVar variation 388268 (VCV000388268.14), dbSNP rs147867038, ClinGen allele CA9837027.
Genomic context (GRCh38, chr20:35,673,620, plus strand): 5'-AGAGGATGCCTTTCATAAATGTTGCAGCTCAACTCACTGACCTGATAGAAGAGTGCGCTA[A>G]ATCCTCATCAGTGCCAATTGCTCTAAGCACATAAGAGGGCTCCAGGGATGCAGAGGTGCA-3'
Protein context (NP_066923.3, residues 391-411): VLRAIGTDED[Leu401=]AHSSIRFGIG